The following is an entry in ClinVar:

ClinVar aggregate classification (germline): Likely benign (1 of 4 stars; one submission).

gnomAD v4.1: 1 of 1,614,102 alleles (0.000062%); highest among the groups gnomAD compares: Non-Finnish European, 0.000085%; no homozygotes.

Submission:

CeGaT Center for Human Genetics Tuebingen
Classification: Likely benign. Last evaluated: 2024-02-01. Review status: criteria provided, single submitter. Criteria: CeGaT Center For Human Genetics Tuebingen Variant Classification Criteria Version 2. Collection method: clinical testing. Allele origin: germline. Affected: yes. Observed: 1 variant allele.
Comment: PCDH15: PM2:Supporting, BP4, BP7

NM_001384140.1(PCDH15):c.4260C>A (p.Pro1420=)

Gene: PCDH15 (protocadherin related 15; minus strand). Cytogenetic location: 10q21.1.
Variant type: single nucleotide variant.
Coding change: c.4260C>A on transcript NM_001384140.1 (MANE Select); coding-DNA position 4260, C replaced by A.
Protein change: p.Pro1420=; no amino-acid change (proline 1420 retained).
Molecular consequence: synonymous variant.
Genome position (GRCh38, 1-based): chr10:53,827,500, G>T on the plus strand (C>A on the coding strand, the complement: PCDH15 is on the minus strand). VCF-style: chr10-53827500-G-T. GRCh37 (hg19) VCF-style: chr10-55587260-G-T.
Other names: c.4275C>A, p.Pro1425= (NM_001142763.2, NM_001142771.2); c.4260C>A, p.Pro1420= (NM_001142764.2, NM_001142770.3, NM_001142772.2 and 3 more transcripts); c.4047C>A, p.Pro1349= (NM_001142765.2); c.4251C>A, p.Pro1417= (NM_001142766.2); c.4140C>A, p.Pro1380= (NM_001142767.2); c.4194C>A, p.Pro1398= (NM_001142768.2, NM_001354404.2); c.4296C>A, p.Pro1432= (NM_001142769.4); c.4185C>A, p.Pro1395= (NM_001142773.2); and 1 more.
Identifiers: ClinVar variation 3025705 (VCV003025705.22), dbSNP rs775658931, ClinGen allele CA469495488.
Genomic context (GRCh38, chr10:53,827,500, plus strand): 5'-CGGCGGCGGCGGCGGGGGCGCTGCCACTGGTGCAGGAGCCGGCACTGCTGGTTTAGCCGC[G>T]GGTAATGCGGCCTGAATTCGTGCAGTCTTTGTACACTCAGCTTGACGTCTTGGATAAAGT-3'
Protein context (NP_001371069.1, residues 1410-1430): TKTARIQAAL[Pro1420=]AAKPAVPAPA